The following is an entry in ClinVar:

NM_021870.3(FGG):c.670C>T (p.Leu224Phe)

Gene: FGG (fibrinogen gamma chain; minus strand). Cytogenetic location: 4q32.1.
Variant type: single nucleotide variant.
Coding change: c.670C>T on transcript NM_021870.3 (MANE Select); coding-DNA position 670, C replaced by T.
Protein change: p.Leu224Phe; replaces leucine 224 with phenylalanine.
Molecular consequence: missense variant.
Genome position (GRCh38, 1-based): chr4:154,608,647, G>A on the plus strand (C>T on the coding strand, the complement: FGG is on the minus strand). VCF-style: chr4-154608647-G-A. GRCh37 (hg19) VCF-style: chr4-155529799-G-A.
Other names: c.670C>T, p.Leu224Phe (NM_000509.6); short protein forms L224F.
Identifiers: ClinVar variation 4739081 (VCV004739081.1).

ClinVar aggregate classification (germline): Uncertain significance (1 of 4 stars; one submission).

Submission:

Labcorp Genetics (formerly Invitae), Labcorp
Classification: Uncertain significance. Last evaluated: 2025-02-12. Review status: criteria provided, single submitter. Criteria: Invitae Variant Classification Sherloc (09022015). Collection method: clinical testing. Allele origin: germline.
Comment: This sequence change replaces leucine, which is neutral and non-polar, with phenylalanine, which is neutral and non-polar, at codon 224 of the FGG protein (p.Leu224Phe). This variant is not present in population databases (gnomAD no frequency). This variant has not been reported in the literature in individuals affected with FGG-related conditions. Invitae Evidence Modeling of protein sequence and biophysical properties (such as structural, functional, and spatial information, amino acid conservation, physicochemical variation, residue mobility, and thermodynamic stability) indicates that this missense variant is not expected to disrupt FGG protein function with a negative predictive value of 80%. In summary, the available evidence is currently insufficient to determine the role of this variant in disease. Therefore, it has been classified as a Variant of Uncertain Significance.